The following is an entry in ClinVar:

NM_004608.4(TBX6):c.514G>A (p.Val172Ile)

Gene: TBX6 (T-box transcription factor 6; minus strand). Cytogenetic location: 16p11.2.
Variant type: single nucleotide variant.
Coding change: c.514G>A on transcript NM_004608.4 (MANE Select); coding-DNA position 514, G replaced by A.
Protein change: p.Val172Ile; replaces valine 172 with isoleucine.
Molecular consequence: missense variant.
Genome position (GRCh38, 1-based): chr16:30,089,050, C>T on the plus strand (G>A on the coding strand, the complement: TBX6 is on the minus strand). VCF-style: chr16-30089050-C-T. GRCh37 (hg19) VCF-style: chr16-30100371-C-T.
Other names: short protein forms V172I.
Identifiers: ClinVar variation 2777973 (VCV002777973.3), dbSNP rs1160296858, ClinGen allele CA395519934.

ClinVar aggregate classification (germline): Uncertain significance (1 of 4 stars; one submission).

Allele frequency attached by ClinVar (database versions not stated): gnomAD exomes below 0.00001; gnomAD 0.00001; TOPMed 0.00001.

Submission:

Labcorp Genetics (formerly Invitae), Labcorp
Classification: Uncertain significance. Last evaluated: 2023-09-27. Review status: criteria provided, single submitter. Criteria: Invitae Variant Classification Sherloc (09022015). Collection method: clinical testing. Allele origin: germline.
Comment: In summary, the available evidence is currently insufficient to determine the role of this variant in disease. Therefore, it has been classified as a Variant of Uncertain Significance. Advanced modeling of protein sequence and biophysical properties (such as structural, functional, and spatial information, amino acid conservation, physicochemical variation, residue mobility, and thermodynamic stability) performed at Invitae indicates that this missense variant is not expected to disrupt TBX6 protein function. This variant has not been reported in the literature in individuals affected with TBX6-related conditions. This variant is not present in population databases (gnomAD no frequency). This sequence change replaces valine, which is neutral and non-polar, with isoleucine, which is neutral and non-polar, at codon 172 of the TBX6 protein (p.Val172Ile).